The following is an entry in ClinVar:

ClinVar aggregate classification (germline): Uncertain significance (1 of 4 stars; one submission).

Conditions:
Kabuki syndrome. Also called: NIIKAWA-KUROKI SYNDROME; Kabuki make-up syndrome. Identifiers: Orphanet 2322, MedGen C0796004, MONDO:0016512.

gnomAD v4.1: 4 of 1,564,010 alleles (0.00026%); highest among the groups gnomAD compares: Non-Finnish European, 0.00035%; no homozygotes.

Submission:

Labcorp Genetics (formerly Invitae), Labcorp
Classification: Uncertain significance for Kabuki syndrome. Last evaluated: 2024-03-24. Review status: criteria provided, single submitter. Criteria: Invitae Variant Classification Sherloc (09022015). Collection method: clinical testing. Allele origin: germline.
Comment: This sequence change replaces proline, which is neutral and non-polar, with leucine, which is neutral and non-polar, at codon 903 of the KMT2D protein (p.Pro903Leu). This variant is not present in population databases (gnomAD no frequency). This variant has not been reported in the literature in individuals affected with KMT2D-related conditions. Advanced modeling of protein sequence and biophysical properties (such as structural, functional, and spatial information, amino acid conservation, physicochemical variation, residue mobility, and thermodynamic stability) performed at Invitae indicates that this missense variant is not expected to disrupt KMT2D protein function with a negative predictive value of 95%. In summary, the available evidence is currently insufficient to determine the role of this variant in disease. Therefore, it has been classified as a Variant of Uncertain Significance.

NM_003482.4(KMT2D):c.2708C>T (p.Pro903Leu)

Gene: KMT2D (lysine methyltransferase 2D; minus strand). Cytogenetic location: 12q13.12.
Variant type: single nucleotide variant.
Coding change: c.2708C>T on transcript NM_003482.4 (MANE Select); coding-DNA position 2708, C replaced by T.
Protein change: p.Pro903Leu; replaces proline 903 with leucine.
Molecular consequence: missense variant.
Genome position (GRCh38, 1-based): chr12:49,050,975, G>A on the plus strand (C>T on the coding strand, the complement: KMT2D is on the minus strand). VCF-style: chr12-49050975-G-A. GRCh37 (hg19) VCF-style: chr12-49444758-G-A.
Other names: short protein forms P903L.
Identifiers: ClinVar variation 3635168 (VCV003635168.2).
Genomic context (GRCh38, chr12:49,050,975, plus strand): 5'-GGCTCCCCAGATGGGGACAACGGCAGCTCCTCGGGCAGAGGGGACAGAGGTGGTTCCCCA[G>A]GCTCAGACAGGGCTGGCTCTCCAAGCAAGGGAGATAAGGATGGTTCCCCAGGGGGAGGGA-3'
Protein context (NP_003473.3, residues 893-913): PLLGEPALSE[Pro903Leu]GEPPLSPLPE